The following is an entry in ClinVar:

NC_000023.10:g.(31525571_31645789)_(31854937_31893304)del

Gene: DMD (dystrophin; minus strand). Cytogenetic location: Xp21.1.
Variant type: Deletion.
Identifiers: ClinVar variation 1723254 (VCV001723254.1).

ClinVar aggregate classification (germline): Pathogenic (1 of 4 stars; one submission).

Conditions:
Neuromuscular disease caused by qualitative or quantitative defects of dystrophin. Also called: Qualitative or quantitative defects of dystrophin. Identifiers: Orphanet 207085, MedGen C5679787, MONDO:0016147.

Submission:

Women's Health and Genetics/Laboratory Corporation of America, LabCorp
Classification: Pathogenic for Neuromuscular disease caused by qualitative or quantitative defects of dystrophin. Last evaluated: 2022-10-07. Review status: criteria provided, single submitter. Criteria: LabCorp Variant Classification Summary - May 2015. Collection method: clinical testing. Allele origin: germline.
Comment: Variant summary: The variant identified by MLPA or other technology involves the deletion of exons 49-55 in the DMD gene. A presumed nomenclature of c.(7098+1_7099-1)_(8217+1_8218-1)del has been designated for the purposes of this classification. Although exact breakpoints of this deletion are not known, it is expected to result in a large in-frame deletion in the DMD gene. The variant was absent in 16120 control chromosomes (gnomAD, Structural Variants dataset) . To our knowledge, no occurrence of c.(7098+1_7099-1)_(8217+1_8218-1)del in individuals affected with Dystrophinopathies and no experimental evidence demonstrating its impact on protein function have been reported. However, other large in-frame deletions within this region (e.g. deletion of exon 49, exons 49-51, exons 51-52) have been reported in multiple individuals affected with Dystrophinopathies (e.g. Mital_1998, Giliberto_2004, Basumatary_2013, Zamani_2015, Nallamilli_2021) and have been classified as pathogenic by our laboratory. One clinical diagnostic laboratory has submitted a clinical-significance assessment for this variant to ClinVar after 2014 and classified the variant as pathogenic. Based on the evidence outlined above, the variant was classified as pathogenic.

Literature cited by the submitters: PubMed 9619643; PubMed 23914114; PubMed 14977063; PubMed 26081009; PubMed 33644936.